The following is an entry in ClinVar:

NM_001080.3(ALDH5A1):c.244G>A (p.Ala82Thr)

Genes: ALDH5A1 (aldehyde dehydrogenase 5 family member A1; plus strand), GPLD1 (glycosylphosphatidylinositol specific phospholipase D1; minus strand), LOC129995978 (ATAC-STARR-seq lymphoblastoid silent region 16989; plus strand). Cytogenetic location: 6p22.3.
Variant type: single nucleotide variant.
Coding change: c.244G>A on transcript NM_001080.3 (MANE Select); coding-DNA position 244, G replaced by A.
Protein change: p.Ala82Thr; replaces alanine 82 with threonine.
Molecular consequence: missense variant.
Genome position (GRCh38, 1-based): chr6:24,495,240, G>A. VCF-style: chr6-24495240-G-A. GRCh37 (hg19) VCF-style: chr6-24495468-G-A.
Other names: c.244G>A, p.Ala82Thr (NM_001368954.1, NM_170740.1); short protein forms A82T.
Identifiers: ClinVar variation 2071977 (VCV002071977.2), dbSNP rs1300964978, ClinGen allele CA362968516.

ClinVar aggregate classification (germline): Uncertain significance. Review status: criteria provided, multiple submitters, no conflicts (2 of 4 stars). 2 submissions from 2 submitters: Uncertain significance (2). Last evaluated 2023-07-13.

Conditions:
Succinate-semialdehyde dehydrogenase deficiency (SSADHD). Also called: GABA METABOLIC DEFECT; Succinic Semialdehyde Dehydrogenase Deficiency; 4-HYDROXYBUTYRIC ACIDURIA; SSADH DEFICIENCY. Identifiers: Orphanet 22, MedGen C0268631, MONDO:0010083, OMIM 271980.

Allele frequency attached by ClinVar (database versions not stated): gnomAD exomes 0.00001.
gnomAD v4.1: 10 of 1,524,564 alleles (0.00066%); highest among the groups gnomAD compares: Non-Finnish European, 0.00079%; no homozygotes.

Submissions (2):

Blueprint Genetics
Classification: Uncertain significance. Last evaluated: 2023-07-13. Review status: criteria provided, single submitter. Criteria: ACMG Guidelines, 2015. Collection method: clinical testing. Allele origin: germline.

Labcorp Genetics (formerly Invitae), Labcorp
Classification: Uncertain significance for Succinate-semialdehyde dehydrogenase deficiency. Last evaluated: 2022-04-19. Review status: criteria provided, single submitter. Criteria: Invitae Variant Classification Sherloc (09022015). Collection method: clinical testing. Allele origin: germline.
Comment: This sequence change replaces alanine, which is neutral and non-polar, with threonine, which is neutral and polar, at codon 82 of the ALDH5A1 protein (p.Ala82Thr). This variant is not present in population databases (gnomAD no frequency). This variant has not been reported in the literature in individuals affected with ALDH5A1-related conditions. Advanced modeling of protein sequence and biophysical properties (such as structural, functional, and spatial information, amino acid conservation, physicochemical variation, residue mobility, and thermodynamic stability) performed at Invitae indicates that this missense variant is not expected to disrupt ALDH5A1 protein function. In summary, the available evidence is currently insufficient to determine the role of this variant in disease. Therefore, it has been classified as a Variant of Uncertain Significance.